The following is an entry in ClinVar:

ClinVar aggregate classification (germline): Likely benign. Review status: criteria provided, multiple submitters, no conflicts (2 of 4 stars). 2 submissions from 2 submitters: Likely benign (2). Last evaluated 2026-05-11.

Conditions:
Neurofibromatosis, type 1 (NF1). Also called: VON RECKLINGHAUSEN DISEASE; NEUROFIBROMATOSIS, TYPE I, SOMATIC; Neurofibromatosis, type I; Peripheral type neurofibromatosis. Identifiers: Orphanet 636, MedGen C0027831, MONDO:0018975, OMIM 162200. Disease mechanism: loss of function.

Allele frequency attached by ClinVar (database versions not stated): ExAC 0.00001; gnomAD exomes below 0.00001.
gnomAD v4.1: 3 of 1,598,558 alleles (0.00019%); highest among the groups gnomAD compares: Non-Finnish European, 0.00026%; no homozygotes.

Submissions (2):

Myriad Genetics, Inc.
Classification: Likely benign for Neurofibromatosis, type 1. Last evaluated: 2026-05-11. Review status: criteria provided, single submitter. Criteria: Myriad Autosomal Dominant, Autosomal Recessive and X-Linked Classification Criteria (2023). Collection method: clinical testing. Allele origin: unknown.
Comment: This variant is considered likely benign. This variant is intronic and is not expected to impact mRNA splicing.

Labcorp Genetics (formerly Invitae), Labcorp
Classification: Likely benign for Neurofibromatosis, type 1. Last evaluated: 2024-11-12. Review status: criteria provided, single submitter. Criteria: Invitae Variant Classification Sherloc (09022015). Collection method: clinical testing. Allele origin: germline.

NM_001042492.3(NF1):c.655-8A>G

Gene: NF1 (neurofibromin 1; plus strand). Cytogenetic location: 17q11.2.
Variant type: single nucleotide variant.
Coding change: c.655-8A>G on transcript NM_001042492.3 (MANE Select); 8 bases into the intron before coding-DNA position 655, A replaced by G.
Molecular consequence: intron variant.
Genome position (GRCh38, 1-based): chr17:31,181,702, A>G. VCF-style: chr17-31181702-A-G. GRCh37 (hg19) VCF-style: chr17-29508720-A-G.
Other names: c.655-8A>G (NM_000267.4, NM_001128147.3).
Identifiers: ClinVar variation 412993 (VCV000412993.11), dbSNP rs758089068, ClinGen allele CA8485601.
Genomic context (GRCh38, chr17:31,181,702, plus strand): 5'-AGTTTGTGACATTTTATTTACTGTATTACAAAAAATCACTGTAAAGACATGTGGTTCTTT[A>G]TTTATAGGCATTTTGGAACTGGGTAGAAAATTATCCAGATGAATTTACAAAACTGTACCA-3'